The following is an entry in ClinVar:

ClinVar aggregate classification (germline): Uncertain significance (1 of 4 stars; one submission).

Conditions:
Dilated cardiomyopathy 1O (CMD1O). Also called: CARDIOMYOPATHY, DILATED, WITH VENTRICULAR TACHYCARDIA. Identifiers: Orphanet 154, MedGen C1837839, MONDO:0012062, OMIM 608569.

Allele frequency attached by ClinVar (database versions not stated): gnomAD exomes below 0.00001 and 0.00002; ExAC 0.00001.
gnomAD v4.1: 6 of 1,612,174 alleles (0.00037%); highest among the groups gnomAD compares: South Asian, 0.0055%; no homozygotes.

Submission:

Labcorp Genetics (formerly Invitae), Labcorp
Classification: Uncertain significance for Dilated cardiomyopathy 1O. Last evaluated: 2022-02-04. Review status: criteria provided, single submitter. Criteria: Invitae Variant Classification Sherloc (09022015). Collection method: clinical testing. Allele origin: germline.
Comment: This sequence change falls in intron 24 of the ABCC9 gene. It does not directly change the encoded amino acid sequence of the ABCC9 protein. It affects a nucleotide within the consensus splice site. This variant is present in population databases (rs751828985, gnomAD 0.01%). In summary, the available evidence is currently insufficient to determine the role of this variant in disease. Therefore, it has been classified as a Variant of Uncertain Significance. Variants that disrupt the consensus splice site are a relatively common cause of aberrant splicing (PMID: 17576681, 9536098). Algorithms developed to predict the effect of sequence changes on RNA splicing suggest that this variant may disrupt the consensus splice site. ClinVar contains an entry for this variant (Variation ID: 859331). This variant has not been reported in the literature in individuals affected with ABCC9-related conditions.

Literature cited by the submitters: PubMed 17576681; PubMed 9536098.

NM_020297.4(ABCC9):c.3096+3A>G

Gene: ABCC9 (ATP binding cassette subfamily C member 9; minus strand). Cytogenetic location: 12p12.1.
Variant type: single nucleotide variant.
Coding change: c.3096+3A>G on transcript NM_020297.4 (MANE Select); 3 bases into the intron after coding-DNA position 3096, A replaced by G.
Molecular consequence: intron variant.
Genome position (GRCh38, 1-based): chr12:21,845,600, T>C on the plus strand (A>G on the coding strand, the complement: ABCC9 is on the minus strand). VCF-style: chr12-21845600-T-C. GRCh37 (hg19) VCF-style: chr12-21998534-T-C.
Other names: c.2229+3A>G (NM_001377274.1); c.3096+3A>G (NM_005691.4, NM_001377273.1).
Identifiers: ClinVar variation 859331 (VCV000859331.7), dbSNP rs751828985, ClinGen allele CA6481219.